The following is an entry in ClinVar:

ClinVar aggregate classification (germline): Conflicting classifications of pathogenicity. Review status: criteria provided, conflicting classifications (1 of 4 stars). 4 submissions from 4 submitters: Uncertain significance (2); Likely benign (1). 1 of the submissions does not count toward it. Last evaluated 2025-08-10.

Conditions:
Familial cancer of breast. Also called: BREAST CANCER, FAMILIAL; Hereditary breast cancer; hereditary breast carcinoma. Identifiers: Orphanet 227535, MedGen C0346153, MONDO:0016419, OMIM 114480. Disease mechanism: loss of function.
Hereditary cancer-predisposing syndrome. Also called: Neoplastic Syndromes, Hereditary; Tumor predisposition; Hereditary Cancer Syndrome; Hereditary neoplastic syndrome. Identifiers: Orphanet 140162, MedGen C0027672, MeSH D009386, MONDO:0015356.
Hereditary breast ovarian cancer syndrome. Also called: Hereditary breast and ovarian cancer; Hereditary breast and/or ovarian cancer syndrome; BRCA1- and BRCA2-Associated Hereditary Breast and Ovarian Cancer; Hereditary breast and ovarian cancer syndrome (HBOC); Hereditary breast and ovarian cancer syndrome; Breast and ovarian cancer. Identifiers: Orphanet 145, MedGen C0677776, MeSH D061325, MONDO:0003582. Disease mechanism: loss of function.

Submissions (4):

Ambry Genetics
Classification: Uncertain significance for Hereditary cancer-predisposing syndrome. Last evaluated: 2025-08-10. Review status: criteria provided, single submitter. Criteria: Ambry Variant Classification Scheme 2023. Collection method: clinical testing. Allele origin: germline.
Comment: The p.N961H variant (also known as c.2881A>C), located in coding exon 9 of the BRCA1 gene, results from an A to C substitution at nucleotide position 2881. The asparagine at codon 961 is replaced by histidine, an amino acid with similar properties. This amino acid position is not well conserved in available vertebrate species. In addition, this alteration is predicted to be tolerated by in silico analysis. Since supporting evidence is limited at this time, the clinical significance of this alteration remains unclear.

Labcorp Genetics (formerly Invitae), Labcorp
Classification: Uncertain significance for Hereditary breast ovarian cancer syndrome. Last evaluated: 2024-01-15. Review status: criteria provided, single submitter. Criteria: Invitae Variant Classification Sherloc (09022015). Collection method: clinical testing. Allele origin: germline.
Comment: This sequence change replaces asparagine, which is neutral and polar, with histidine, which is basic and polar, at codon 961 of the BRCA1 protein (p.Asn961His). This variant is not present in population databases (gnomAD no frequency). This missense change has been observed in individual(s) with breast cancer (PMID: 32101877). ClinVar contains an entry for this variant (Variation ID: 187504). Advanced modeling of protein sequence and biophysical properties (such as structural, functional, and spatial information, amino acid conservation, physicochemical variation, residue mobility, and thermodynamic stability) performed at Invitae indicates that this missense variant is not expected to disrupt BRCA1 protein function with a negative predictive value of 95%. In summary, the available evidence is currently insufficient to determine the role of this variant in disease. Therefore, it has been classified as a Variant of Uncertain Significance.

University of Washington Department of Laboratory Medicine, University of Washington
Classification: Likely benign for Hereditary cancer-predisposing syndrome. Last evaluated: 2023-03-23. Review status: criteria provided, single submitter. Criteria: Dines et al. (Genet Med. 2020). Collection method: curation. Allele origin: germline.
Comment: Missense variant in a coldspot region where missense variants are very unlikely to be pathogenic (PMID:31911673).

BRCA1 coldspot (exon 11 using historical exon numbering). Reclassification based on statistical prior probability

Center for Precision Medicine, Meizhou People's Hospital
Classification: Uncertain significance for Familial cancer of breast. Review status: no assertion criteria provided. Collection method: curation. Allele origin: germline. Affected: yes. Not counted in ClinVar's aggregate classification.

Literature cited by the submitters: PubMed 32101877 (cited by Labcorp Genetics (formerly Invitae), Labcorp).

NM_007294.4(BRCA1):c.2881A>C (p.Asn961His)

Gene: BRCA1 (BRCA1 DNA repair associated; minus strand). Cytogenetic location: 17q21.31.
Variant type: single nucleotide variant.
Coding change: c.2881A>C on transcript NM_007294.4 (MANE Select); coding-DNA position 2881, A replaced by C.
Protein change: p.Asn961His; replaces asparagine 961 with histidine.
Molecular consequence: missense variant. On other transcripts: intron variant (137).
Genome position (GRCh38, 1-based): chr17:43,092,650, T>G on the plus strand (A>C on the coding strand, the complement: BRCA1 is on the minus strand). VCF-style: chr17-43092650-T-G. GRCh37 (hg19) VCF-style: chr17-41244667-T-G.
Other names: c.2668A>C, p.Asn890His (NM_001407571.1, NM_001407853.1, NM_001407894.1 and 9 more transcripts); c.2881A>C, p.Asn961His (NM_001407581.1, NM_001407582.1, NM_001407583.1 and 30 more transcripts); c.2878A>C, p.Asn960His (NM_001407587.1, NM_001407590.1, NM_001407591.1 and 22 more transcripts); c.2680A>C, p.Asn894His (NM_001407862.1); c.2758A>C, p.Asn920His (NM_001407863.1, NM_001407648.1, NM_001407919.1 and 19 more transcripts); c.2677A>C, p.Asn893His (NM_001407874.1, NM_001407875.1); c.2671A>C, p.Asn891His (NM_001407879.1, NM_001407881.1, NM_001407882.1 and 13 more transcripts); c.2872A>C, p.Asn958His (NM_001407646.1, NM_001407647.1); and 41 more; short protein forms N961H, N914H, N793H, N850H, N873H, N890H, N891H, N894H.
Identifiers: ClinVar variation 187504 (VCV000187504.20), dbSNP rs786203786, ClinGen allele CA001879.